The following is an entry in ClinVar:

NM_001145809.2(MYH14):c.4845G>A (p.Ala1615=)

Gene: MYH14 (myosin heavy chain 14; plus strand). Cytogenetic location: 19q13.33.
Variant type: single nucleotide variant.
Coding change: c.4845G>A on transcript NM_001145809.2 (MANE Select); coding-DNA position 4845, G replaced by A.
Protein change: p.Ala1615=; no amino-acid change (alanine 1615 retained).
Molecular consequence: synonymous variant.
Genome position (GRCh38, 1-based): chr19:50,289,528, G>A. VCF-style: chr19-50289528-G-A. GRCh37 (hg19) VCF-style: chr19-50792785-G-A.
Other names: c.4746G>A, p.Ala1582= (NM_001077186.2); c.4722G>A, p.Ala1574= (NM_024729.4).
Identifiers: ClinVar variation 515618 (VCV000515618.1), dbSNP rs1386018095, ClinGen allele CA508178366.
Genomic context (GRCh38, chr19:50,289,528, plus strand): 5'-AGAACAGGCAGCCAATGATCTGCGAGCACAGGTGACAGAACTGGAGGATGAGCTGACAGC[G>A]GCCGAGGATGCCAAGCTGCGTCTGGAGGTGACTGTGCAGGCTCTCAAGACTCAGCATGAG-3'
Protein context (NP_001139281.1, residues 1605-1625): QVTELEDELT[Ala1615=]AEDAKLRLEV

ClinVar aggregate classification (germline): Likely benign (1 of 4 stars; one submission).

Allele frequency attached by ClinVar (database versions not stated): gnomAD exomes 0.00002.
gnomAD v4.1: 22 of 1,613,066 alleles (0.0014%); highest among the groups gnomAD compares: Middle Eastern, 0.017%; no homozygotes.

Submission:

GeneDx
Classification: Likely benign. Last evaluated: 2018-02-21. Review status: criteria provided, single submitter. Criteria: GeneDx Variant Classification (06012015). Collection method: clinical testing. Allele origin: germline. Affected: yes.
Comment: This variant is considered likely benign or benign based on one or more of the following criteria: it is a conservative change, it occurs at a poorly conserved position in the protein, it is predicted to be benign by multiple in silico algorithms, and/or has population frequency not consistent with disease.